The following is an entry in ClinVar:

NM_003126.4(SPTA1):c.1078A>T (p.Thr360Ser)

Gene: SPTA1 (spectrin alpha, erythrocytic 1; minus strand). Cytogenetic location: 1q23.1.
Variant type: single nucleotide variant.
Coding change: c.1078A>T on transcript NM_003126.4 (MANE Select); coding-DNA position 1078, A replaced by T.
Protein change: p.Thr360Ser; replaces threonine 360 with serine.
Molecular consequence: missense variant.
Genome position (GRCh38, 1-based): chr1:158,676,175, T>A on the plus strand (A>T on the coding strand, the complement: SPTA1 is on the minus strand). VCF-style: chr1-158676175-T-A. GRCh37 (hg19) VCF-style: chr1-158645965-T-A.
Other names: short protein forms T360S.
Identifiers: ClinVar variation 258915 (VCV000258915.24), dbSNP rs34133563, ClinGen allele CA1183923.
Genomic context (GRCh38, chr1:158,676,175, plus strand): 5'-AGCAATAAAGGGGAGGGATTTCCCACCAATAAGTAGCCTGCAGTTTTTCATATCTGCTGG[T>A]GGCCAGGGCACGAATATGCTCCCAGCTGGAGACCAGATCTTCTTTCATCTCCTGGATCTG-3'
Protein context (NP_003117.2, residues 350-370): SSWEHIRALA[Thr360Ser]SRYEKLQATY

ClinVar aggregate classification (germline): Conflicting classifications of pathogenicity. Review status: criteria provided, conflicting classifications (1 of 4 stars). 7 submissions from 5 submitters: Uncertain significance (3); Benign (3); Likely benign (1). Last evaluated 2025-09-25.

Conditions:
Hereditary spherocytosis type 3. Also called: SPTA1-Related Spherocytosis; Spherocytosis type 3. Identifiers: Orphanet 822, MedGen C2678338, MONDO:0010053, OMIM 270970.
Elliptocytosis 2 (EL2). Also called: ELLIPTOCYTOSIS, RHESUS-UNLINKED TYPE. Identifiers: Orphanet 288, MedGen C1851741, MONDO:0007533, OMIM 130600.
Pyropoikilocytosis, hereditary. Also called: Pyropoikilocytosis. Identifiers: MedGen C0520739, MONDO:0009948, OMIM 266140, HP:0004839. Disease mechanism: loss of function.

Allele frequency attached by ClinVar (database versions not stated): gnomAD 0.00424 and 0.00401; TOPMed 0.00475; 1000 Genomes Project 0.00559; 1000 Genomes Project 30x 0.00531; ESP Exome Variant Server 0.00507.
gnomAD v4.1: 1,446 of 1,613,720 alleles (0.09%); highest among the groups gnomAD compares: African/African-American, 1.4%; 12 homozygotes.

Submissions (7):

Labcorp Genetics (formerly Invitae), Labcorp
Classification: Benign. Last evaluated: 2025-09-25. Review status: criteria provided, single submitter. Criteria: Invitae Variant Classification Sherloc (09022015). Collection method: clinical testing. Allele origin: germline.

ARUP Laboratories, Molecular Genetics and Genomics, ARUP Laboratories
Classification: Benign. Last evaluated: 2025-06-06. Review status: criteria provided, single submitter. Criteria: ARUP Molecular Germline Variant Investigation Process 2024. Collection method: clinical testing. Allele origin: germline.

Mayo Clinic Laboratories, Mayo Clinic
Classification: Uncertain significance. Last evaluated: 2025-01-31. Review status: criteria provided, single submitter. Criteria: ACMG Guidelines, 2015. Collection method: clinical testing. Allele origin: germline. Observed: 6 variant alleles.
Comment: BS2, BP4_moderate

Illumina Laboratory Services, Illumina
Classification: Likely benign for Elliptocytosis 2. Last evaluated: 2018-01-13. Review status: criteria provided, single submitter. Criteria: ICSL Variant Classification Criteria 13 December 2019. Collection method: clinical testing. Allele origin: germline.
Comment: This variant was observed in the ICSL laboratory as part of a predisposition screen in an ostensibly healthy population. It had not been previously curated by ICSL or reported in the Human Gene Mutation Database (HGMD: prior to June 1st, 2018), and was therefore a candidate for classification through an automated scoring system. Utilizing variant allele frequency, disease prevalence and penetrance estimates, and inheritance mode, an automated score was calculated to assess if this variant is too frequent to cause the disease. Based on the score and internal cut-off values, a variant classified as likely benign is not then subjected to further curation. The score for this variant resulted in a classification of likely benign for this disease.

Illumina Laboratory Services, Illumina
Classification: Uncertain significance for Pyropoikilocytosis, hereditary. Last evaluated: 2018-01-13. Review status: criteria provided, single submitter. Criteria: ICSL Variant Classification Criteria 13 December 2019. Collection method: clinical testing. Allele origin: germline.

Illumina Laboratory Services, Illumina
Classification: Uncertain significance for Hereditary spherocytosis type 3. Last evaluated: 2018-01-13. Review status: criteria provided, single submitter. Criteria: ICSL Variant Classification Criteria 13 December 2019. Collection method: clinical testing. Allele origin: germline.

PreventionGenetics, part of Exact Sciences
Classification: Benign. Review status: criteria provided, single submitter. Criteria: ACMG Guidelines, 2015. Collection method: clinical testing. Allele origin: germline.